The following is an entry in ClinVar:

ClinVar aggregate classification (germline): Uncertain significance (1 of 4 stars; one submission).

Conditions:
Choanal atresia-athelia-hypothyroidism-delayed puberty-short stature syndrome (BCAHH). Also called: BRANCHIAL ARCH ABNORMALITIES, CHOANAL ATRESIA, ATHELIA, HEARING LOSS, AND HYPOTHYROIDISM SYNDROME. Identifiers: Orphanet 589856, MedGen C5680310, MONDO:0035651, OMIM 620186.
Kabuki syndrome 1 (KABUK1). Also called: KMT2D-Related Kabuki Syndrome. Identifiers: Orphanet 2322, MedGen CN030661, MONDO:0007843, OMIM 147920.

Submission:

Juno Genomics, Hangzhou Juno Genomics, Inc
Classification: Uncertain significance for Choanal atresia-athelia-hypothyroidism-delayed puberty-short stature syndrome; Kabuki syndrome 1. Review status: criteria provided, single submitter. Criteria: ACMG Guidelines, 2015. Collection method: clinical testing. Allele origin: germline.
Comment: Absent from controls (or at extremely low frequency if recessive) in Genome Aggregation Database.;Multiple lines of computational evidence support a deleterious effect on the gene or gene product.;Missense variant in a gene that has a low rate of benign missense variation.

NM_003482.4(KMT2D):c.15197C>G (p.Ser5066Cys)

Gene: KMT2D (lysine methyltransferase 2D; minus strand). Cytogenetic location: 12q13.12.
Variant type: single nucleotide variant.
Coding change: c.15197C>G on transcript NM_003482.4 (MANE Select); coding-DNA position 15197, C replaced by G.
Protein change: p.Ser5066Cys; replaces serine 5066 with cysteine.
Molecular consequence: missense variant.
Genome position (GRCh38, 1-based): chr12:49,026,769, G>C on the plus strand (C>G on the coding strand, the complement: KMT2D is on the minus strand). VCF-style: chr12-49026769-G-C. GRCh37 (hg19) VCF-style: chr12-49420552-G-C.
Other names: short protein forms S5066C.
Identifiers: ClinVar variation 5019606 (VCV005019606.2).